The following is an entry in ClinVar:

NM_007294.4(BRCA1):c.746_749del (p.Thr249fs)

Gene: BRCA1 (BRCA1 DNA repair associated; minus strand). Cytogenetic location: 17q21.31.
Variant type: Deletion.
Coding change: c.746_749del on transcript NM_007294.4 (MANE Select); coding-DNA positions 746 to 749, 4 bases deleted (CTGA; older notation c.746_749delCTGA).
Protein change: p.Thr249fs; shifts the reading frame from threonine 249.
Molecular consequence: frameshift variant. On other transcripts: intron variant (13), 5 prime UTR variant (2).
Genome position (GRCh38, 1-based): chr17:43,094,782-43,094,785, TCAG deleted on the plus strand (CTGA on the coding strand, the reverse complement: BRCA1 is on the minus strand); deleting any 4 consecutive bases within chr17:43,094,782-43,094,786 gives the same sequence; the c. name uses the placement nearest the transcript's 3' end. VCF-style (leftmost placement, unchanged base first): chr17-43094781-CTCAG-C. GRCh37 (hg19) VCF-style: chr17-41246798-CTCAG-C.
Other names: c.746_749del, p.Thr249fs (NM_001407981.1, NM_001407982.1, NM_001407983.1 and 53 more transcripts); c.743_746del, p.Thr248fs (NM_001407984.1, NM_001407985.1, NM_001407986.1 and 38 more transcripts); c.737_740del, p.Thr246fs (NM_001408408.1, NM_001407646.1, NM_001407647.1); c.668_671del, p.Thr223fs (NM_001408409.1, NM_001408411.1, NM_001408412.1 and 9 more transcripts); c.605_608del, p.Thr202fs (NM_001408410.1, NM_001408452.1, NM_001408453.1 and 43 more transcripts); c.665_668del, p.Thr222fs (NM_001408413.1, NM_001408416.1, NM_001407659.1 and 3 more transcripts); c.623_626del, p.Thr208fs (NM_001408425.1, NM_001408426.1, NM_001408427.1 and 34 more transcripts); c.620_623del, p.Thr207fs (NM_001408432.1, NM_001408433.1, NM_001408434.1 and 20 more transcripts); and 21 more; short protein forms T121fs, T122fs, T137fs, T138fs, T160fs, T161fs, T178fs, T179fs.
Identifiers: ClinVar variation 3629507 (VCV003629507.2).

ClinVar aggregate classification (germline): Pathogenic (1 of 4 stars; one submission).

Conditions:
Hereditary breast ovarian cancer syndrome. Also called: Hereditary breast and ovarian cancer; Hereditary breast and ovarian cancer syndrome (HBOC); Hereditary breast and/or ovarian cancer syndrome; Hereditary breast and ovarian cancer syndrome; Breast and ovarian cancer; BRCA1- and BRCA2-Associated Hereditary Breast and Ovarian Cancer. Identifiers: Orphanet 145, MedGen C0677776, MeSH D061325, MONDO:0003582. Disease mechanism: loss of function.

Submission:

Women's Health and Genetics/Laboratory Corporation of America, LabCorp
Classification: Pathogenic for Hereditary breast ovarian cancer syndrome. Last evaluated: 2024-11-27. Review status: criteria provided, single submitter. Criteria: LabCorp Variant Classification Summary - May 2015. Collection method: clinical testing. Allele origin: germline.
Comment: Variant summary: BRCA1 c.746_749delCTGA (p.Thr249ArgfsX48) results in a premature termination codon, predicted to cause a truncation of the encoded protein or absence of the protein due to nonsense mediated decay, which are commonly known mechanisms for disease. The variant was absent in 250178 control chromosomes. To our knowledge, no occurrence of c.746_749delCTGA in individuals affected with Hereditary Breast And Ovarian Cancer Syndrome and no experimental evidence demonstrating its impact on protein function have been reported. No submitters have cited clinical-significance assessments for this variant to ClinVar. Based on the evidence outlined above, the variant was classified as pathogenic.